The following is an entry in ClinVar:

NM_182961.4(SYNE1):c.10178G>A (p.Ser3393Asn)

Gene: SYNE1 (spectrin repeat containing nuclear envelope protein 1; minus strand). Cytogenetic location: 6q25.2.
Variant type: single nucleotide variant.
Coding change: c.10178G>A on transcript NM_182961.4 (MANE Select); coding-DNA position 10178, G replaced by A.
Protein change: p.Ser3393Asn; replaces serine 3393 with asparagine.
Molecular consequence: missense variant.
Genome position (GRCh38, 1-based): chr6:152,362,291, C>T on the plus strand (G>A on the coding strand, the complement: SYNE1 is on the minus strand). VCF-style: chr6-152362291-C-T. GRCh37 (hg19) VCF-style: chr6-152683426-C-T.
Other names: c.10199G>A, p.Ser3400Asn (NM_033071.5); short protein forms S3393N, S3400N.
Identifiers: ClinVar variation 1498681 (VCV001498681.8), dbSNP rs1221490895, ClinGen allele CA366130702.

ClinVar aggregate classification (germline): Uncertain significance (1 of 4 stars; one submission).

Conditions:
Autosomal recessive ataxia, Beauce type. Also called: SYNE1-Related Autosomal Recessive Cerebellar Ataxia; Spinocerebellar ataxia, autosomal recessive 8; ATAXIA, RECESSIVE, OF BEAUCE; SYNE1 Deficiency. Identifiers: Orphanet 88644, MedGen C1853116, MONDO:0012549, OMIM 610743.
Emery-Dreifuss muscular dystrophy 4, autosomal dominant (EDMD4). Also called: EMERY-DREIFUSS MUSCULAR DYSTROPHY 4 WITH VARIABLE FEATURES. Identifiers: Orphanet 261, MedGen C2751807, MONDO:0013071, OMIM 612998.

Allele frequency attached by ClinVar (database versions not stated): gnomAD exomes below 0.00001 and 0.00001; TOPMed 0.00001.
gnomAD v4.1: 5 of 1,614,234 alleles (0.00031%); highest among the groups gnomAD compares: Middle Eastern, 0.016%; no homozygotes.

Submission:

Labcorp Genetics (formerly Invitae), Labcorp
Classification: Uncertain significance for Emery-Dreifuss muscular dystrophy 4, autosomal dominant; Autosomal recessive ataxia, Beauce type. Last evaluated: 2022-07-05. Review status: criteria provided, single submitter. Criteria: Invitae Variant Classification Sherloc (09022015). Collection method: clinical testing. Allele origin: germline.
Comment: In summary, the available evidence is currently insufficient to determine the role of this variant in disease. Therefore, it has been classified as a Variant of Uncertain Significance. Algorithms developed to predict the effect of missense changes on protein structure and function are either unavailable or do not agree on the potential impact of this missense change (SIFT: "Deleterious"; PolyPhen-2: "Benign"; Align-GVGD: "Class C45"). ClinVar contains an entry for this variant (Variation ID: 1498681). This variant has not been reported in the literature in individuals affected with SYNE1-related conditions. This variant is present in population databases (no rsID available, gnomAD 0.007%). This sequence change replaces serine, which is neutral and polar, with asparagine, which is neutral and polar, at codon 3400 of the SYNE1 protein (p.Ser3400Asn).